The following is an entry in ClinVar:

ClinVar aggregate classification (germline): Uncertain significance (1 of 4 stars; one submission).

Allele frequency attached by ClinVar (database versions not stated): gnomAD exomes below 0.00001; TOPMed below 0.00001; gnomAD 0.00001.
gnomAD v4.1: 7 of 1,613,994 alleles (0.00043%); highest among the groups gnomAD compares: African/African-American, 0.0013%; no homozygotes.

Submission:

Labcorp Genetics (formerly Invitae), Labcorp
Classification: Uncertain significance. Last evaluated: 2021-08-28. Review status: criteria provided, single submitter. Criteria: Invitae Variant Classification Sherloc (09022015). Collection method: clinical testing. Allele origin: germline.
Comment: This sequence change replaces glutamic acid with valine at codon 418 of the ATR protein (p.Glu418Val). The glutamic acid residue is weakly conserved and there is a moderate physicochemical difference between glutamic acid and valine. This variant is not present in population databases (ExAC no frequency). This variant has not been reported in the literature in individuals affected with ATR-related conditions. Algorithms developed to predict the effect of missense changes on protein structure and function (SIFT, PolyPhen-2, Align-GVGD) all suggest that this variant is likely to be tolerated. Algorithms developed to predict the effect of sequence changes on RNA splicing suggest that this variant may create or strengthen a splice site. In summary, the available evidence is currently insufficient to determine the role of this variant in disease. Therefore, it has been classified as a Variant of Uncertain Significance.

NM_001184.4(ATR):c.1253A>T (p.Glu418Val)

Gene: ATR (ATR checkpoint kinase; minus strand). Cytogenetic location: 3q23.
Variant type: single nucleotide variant.
Coding change: c.1253A>T on transcript NM_001184.4 (MANE Select); coding-DNA position 1253, A replaced by T.
Protein change: p.Glu418Val; replaces glutamic acid 418 with valine.
Molecular consequence: missense variant.
Genome position (GRCh38, 1-based): chr3:142,561,339, T>A on the plus strand (A>T on the coding strand, the complement: ATR is on the minus strand). VCF-style: chr3-142561339-T-A. GRCh37 (hg19) VCF-style: chr3-142280181-T-A.
Other names: c.1253A>T, p.Glu418Val (NM_001354579.2); short protein forms E418V.
Identifiers: ClinVar variation 1386894 (VCV001386894.5), dbSNP rs968816203, ClinGen allele CA84754772.